The following is an entry in ClinVar:

ClinVar aggregate classification (germline): Uncertain significance (1 of 4 stars; one submission).

Conditions:
Atrioventricular septal defect 5 (AVSD5). Identifiers: MedGen C3280939, MONDO:0013769, OMIM 614474.

gnomAD v4.1: 1 of 1,597,410 alleles (0.000063%); highest among the groups gnomAD compares: East Asian, 0.0022%; no homozygotes.

Submission:

Labcorp Genetics (formerly Invitae), Labcorp
Classification: Uncertain significance for Atrioventricular septal defect 5. Last evaluated: 2025-11-05. Review status: criteria provided, single submitter. Criteria: Invitae Variant Classification Sherloc (09022015). Collection method: clinical testing. Allele origin: germline.
Comment: This sequence change replaces serine, which is neutral and polar, with phenylalanine, which is neutral and non-polar, at codon 41 of the GATA6 protein (p.Ser41Phe). This variant is not present in population databases (gnomAD no frequency). This variant has not been reported in the literature in individuals affected with GATA6-related conditions. An algorithm developed to predict the effect of missense changes on protein structure and function (PolyPhen-2) suggests that this variant is likely to be disruptive. In summary, the available evidence is currently insufficient to determine the role of this variant in disease. Therefore, it has been classified as a Variant of Uncertain Significance.

NM_005257.6(GATA6):c.122C>T (p.Ser41Phe)

Gene: GATA6 (GATA binding protein 6; plus strand). Cytogenetic location: 18q11.2.
Variant type: single nucleotide variant.
Coding change: c.122C>T on transcript NM_005257.6 (MANE Select); coding-DNA position 122, C replaced by T.
Protein change: p.Ser41Phe; replaces serine 41 with phenylalanine.
Molecular consequence: missense variant.
Genome position (GRCh38, 1-based): chr18:22,171,266, C>T. VCF-style: chr18-22171266-C-T. GRCh37 (hg19) VCF-style: chr18-19751227-C-T.
Other names: short protein forms S41F.
Identifiers: ClinVar variation 4742648 (VCV004742648.1).